The following is an entry in ClinVar:

ClinVar aggregate classification (germline): Uncertain significance (1 of 4 stars; one submission).

Allele frequency attached by ClinVar (database versions not stated): TOPMed 0.00001; gnomAD 0.00002 and 0.00003; ExAC 0.00003; gnomAD exomes 0.00003 and 0.00005; ESP Exome Variant Server 0.00016.
gnomAD v4.1: 50 of 1,613,600 alleles (0.0031%); highest among the groups gnomAD compares: South Asian, 0.023%; no homozygotes.

Submission:

Labcorp Genetics (formerly Invitae), Labcorp
Classification: Uncertain significance. Last evaluated: 2022-03-10. Review status: criteria provided, single submitter. Criteria: Invitae Variant Classification Sherloc (09022015). Collection method: clinical testing. Allele origin: germline.
Comment: This sequence change replaces arginine, which is basic and polar, with cysteine, which is neutral and slightly polar, at codon 1754 of the MYO15A protein (p.Arg1754Cys). This variant is present in population databases (rs371135457, gnomAD 0.02%). This variant has not been reported in the literature in individuals affected with MYO15A-related conditions. Advanced modeling of protein sequence and biophysical properties (such as structural, functional, and spatial information, amino acid conservation, physicochemical variation, residue mobility, and thermodynamic stability) performed at Invitae indicates that this missense variant is not expected to disrupt MYO15A protein function. In summary, the available evidence is currently insufficient to determine the role of this variant in disease. Therefore, it has been classified as a Variant of Uncertain Significance.

NM_016239.4(MYO15A):c.5260C>T (p.Arg1754Cys)

Gene: MYO15A (myosin XVA; plus strand). Cytogenetic location: 17p11.2.
Variant type: single nucleotide variant.
Coding change: c.5260C>T on transcript NM_016239.4 (MANE Select); coding-DNA position 5260, C replaced by T.
Protein change: p.Arg1754Cys; replaces arginine 1754 with cysteine.
Molecular consequence: missense variant.
Genome position (GRCh38, 1-based): chr17:18,140,565, C>T. VCF-style: chr17-18140565-C-T. GRCh37 (hg19) VCF-style: chr17-18043879-C-T.
Other names: short protein forms R1754C.
Identifiers: ClinVar variation 1462823 (VCV001462823.4), dbSNP rs371135457, ClinGen allele CA8424217.
Genomic context (GRCh38, chr17:18,140,565, plus strand): 5'-ACCCCTGCCCAGGTGGTGGCACACCTCTTCTCCAGCCATGCCCCACAGGCTGCCCCTCAG[C>T]GCCTGGGCAAGAGCAGCTCCGTCACTCGGCTCTACAAGGCGCACACTGTGGCCGCCAAGT-3'
Protein context (NP_057323.3, residues 1744-1764): SSHAPQAAPQ[Arg1754Cys]LGKSSSVTRL